The following is an entry in ClinVar:

NM_145698.5(ACBD5):c.1507A>G (p.Ile503Val)

Gene: ACBD5 (acyl-CoA binding domain containing 5; minus strand). Cytogenetic location: 10p12.1.
Variant type: single nucleotide variant.
Coding change: c.1507A>G on transcript NM_145698.5 (MANE Select); coding-DNA position 1507, A replaced by G.
Protein change: p.Ile503Val; replaces isoleucine 503 with valine.
Molecular consequence: missense variant.
Genome position (GRCh38, 1-based): chr10:27,204,498, T>C on the plus strand (A>G on the coding strand, the complement: ACBD5 is on the minus strand). VCF-style: chr10-27204498-T-C. GRCh37 (hg19) VCF-style: chr10-27493427-T-C.
Other names: c.1402A>G, p.Ile468Val (NM_001042473.4, NM_001352577.2, NM_001352578.2 and 1 more transcripts); c.1501A>G, p.Ile501Val (NM_001271512.3); c.1180A>G, p.Ile394Val (NM_001301251.2, NM_001301252.2, NM_001301253.2 and 2 more transcripts); c.976A>G, p.Ile326Val (NM_001301254.2); c.1561A>G, p.Ile521Val (NM_001352568.1); c.1540A>G, p.Ile514Val (NM_001352569.1); c.1507A>G, p.Ile503Val (NM_001352570.1); c.1534A>G, p.Ile512Val (NM_001352571.1); and 11 more; short protein forms I326V, I394V, I400V, I405V, I433V, I435V, I444V, I446V.
Identifiers: ClinVar variation 1096314 (VCV001096314.10), dbSNP rs772621096, ClinGen allele CA5450616.

ClinVar aggregate classification (germline): Likely benign. Review status: criteria provided, single submitter (1 of 4 stars). 2 submissions from 2 submitters: Likely benign (1). 1 of the submissions does not count toward it. Last evaluated 2026-01-04.

Conditions:
ACBD5-related disorder. Also called: ACBD5-related condition.

Allele frequency attached by ClinVar (database versions not stated): gnomAD 0.00008; gnomAD exomes 0.00009 and 0.00049; TOPMed 0.00028; ExAC 0.00043.
gnomAD v4.1: 144 of 1,614,008 alleles (0.0089%); highest among the groups gnomAD compares: Admixed American, 0.23%; 1 homozygote.

Submissions (2):

Labcorp Genetics (formerly Invitae), Labcorp
Classification: Likely benign. Last evaluated: 2026-01-04. Review status: criteria provided, single submitter. Criteria: Invitae Variant Classification Sherloc (09022015). Collection method: clinical testing. Allele origin: germline.

PreventionGenetics, part of Exact Sciences
Classification: Likely benign for ACBD5-related condition. Last evaluated: 2024-03-14. Review status: no assertion criteria provided. Collection method: clinical testing. Allele origin: germline. Not counted in ClinVar's aggregate classification.
Comment: This variant is classified as likely benign based on ACMG/AMP sequence variant interpretation guidelines (Richards et al. 2015 PMID: 25741868, with internal and published modifications).